The following is an entry in ClinVar:

NM_178452.6(DNAAF1):c.423A>G (p.Ile141Met)

Gene: DNAAF1 (dynein axonemal assembly factor 1; plus strand). Cytogenetic location: 16q24.1.
Variant type: single nucleotide variant.
Coding change: c.423A>G on transcript NM_178452.6 (MANE Select); coding-DNA position 423, A replaced by G.
Protein change: p.Ile141Met; replaces isoleucine 141 with methionine.
Molecular consequence: missense variant.
Genome position (GRCh38, 1-based): chr16:84,154,647, A>G. VCF-style: chr16-84154647-A-G. GRCh37 (hg19) VCF-style: chr16-84188252-A-G.
Other names: short protein forms I141M.
Identifiers: ClinVar variation 1031307 (VCV001031307.1), dbSNP rs2087327643, ClinGen allele CA396942904.

ClinVar aggregate classification (germline): Uncertain significance (1 of 4 stars; one submission).

Conditions:
Primary ciliary dyskinesia 13. Also called: CILIARY DYSKINESIA, PRIMARY, 13, WITH OR WITHOUT SITUS INVERSUS. Identifiers: Orphanet 244, MedGen C2750790, MONDO:0013174, OMIM 613193.

Submission:

Baylor Genetics
Classification: Uncertain significance for Primary ciliary dyskinesia 13. Last evaluated: 2019-02-01. Review status: criteria provided, single submitter. Criteria: ACMG Guidelines, 2015. Collection method: clinical testing. Allele origin: unknown. Affected: yes.
Comment: This variant was determined to be of uncertain significance according to ACMG Guidelines, 2015 [PMID:25741868].